The following is an entry in ClinVar:

ClinVar aggregate classification (germline): Likely benign. Review status: criteria provided, multiple submitters, no conflicts (2 of 4 stars). 3 submissions from 3 submitters: Likely benign (3). Last evaluated 2026-01-05.

Conditions:
Hereditary breast ovarian cancer syndrome. Also called: Hereditary breast and/or ovarian cancer syndrome; Hereditary breast and ovarian cancer syndrome; Hereditary breast and ovarian cancer syndrome (HBOC); Breast and ovarian cancer; Hereditary breast and ovarian cancer; BRCA1- and BRCA2-Associated Hereditary Breast and Ovarian Cancer. Identifiers: Orphanet 145, MedGen C0677776, MeSH D061325, MONDO:0003582. Disease mechanism: loss of function.
Hereditary cancer-predisposing syndrome. Also called: Neoplastic Syndromes, Hereditary; Tumor predisposition; Hereditary Cancer Syndrome; Hereditary neoplastic syndrome. Identifiers: Orphanet 140162, MedGen C0027672, MeSH D009386, MONDO:0015356.

Allele frequency attached by ClinVar (database versions not stated): gnomAD exomes below 0.00001.
gnomAD v4.1: 1 of 1,605,828 alleles (0.000062%); highest among the groups gnomAD compares: Non-Finnish European, 0.000085%; no homozygotes.

Submissions (3):

Ambry Genetics
Classification: Likely benign for Hereditary cancer-predisposing syndrome. Last evaluated: 2026-01-05. Review status: criteria provided, single submitter. Criteria: Ambry Variant Classification Scheme 2023. Collection method: clinical testing. Allele origin: germline.

Women's Health and Genetics/Laboratory Corporation of America, LabCorp
Classification: Likely benign. Last evaluated: 2024-12-10. Review status: criteria provided, single submitter. Criteria: LabCorp Variant Classification Summary - May 2015. Collection method: clinical testing. Allele origin: germline.
Comment: Variant summary: BRCA2 c.3216A>G results in a synonymous change. Consensus agreement among computation tools predict no significant impact on normal splicing (TrAP). However, these predictions have yet to be confirmed by functional studies. The variant was absent in 242708 control chromosomes. The available data on variant occurrences in the general population are insufficient to allow any conclusion about variant significance. To our knowledge, no occurrence of c.3216A>G in individuals affected with Hereditary Breast And Ovarian Cancer Syndrome and no experimental evidence demonstrating its impact on protein function have been reported. ClinVar contains an entry for this variant (Variation ID: 2985563). Based on the evidence outlined above, the variant was classified as likely benign.

Labcorp Genetics (formerly Invitae), Labcorp
Classification: Likely benign for Hereditary breast ovarian cancer syndrome. Last evaluated: 2024-02-12. Review status: criteria provided, single submitter. Criteria: Invitae Variant Classification Sherloc (09022015). Collection method: clinical testing. Allele origin: germline.

NM_000059.4(BRCA2):c.3216A>G (p.Leu1072=)

Gene: BRCA2 (BRCA2 DNA repair associated; plus strand). Cytogenetic location: 13q13.1.
Variant type: single nucleotide variant.
Coding change: c.3216A>G on transcript NM_000059.4 (MANE Select); coding-DNA position 3216, A replaced by G.
Protein change: p.Leu1072=; no amino-acid change (leucine 1072 retained).
Molecular consequence: synonymous variant. On other transcripts: non-coding transcript variant (1), intron variant (2).
Genome position (GRCh38, 1-based): chr13:32,337,571, A>G. VCF-style: chr13-32337571-A-G. GRCh37 (hg19) VCF-style: chr13-32911708-A-G.
Other names: c.3216A>G, p.Leu1072= (NM_001406719.1, NM_001406720.1); c.1909+4184A>G (NM_001406721.1); c.424+6541A>G (NM_001406722.1).
Identifiers: ClinVar variation 2985563 (VCV002985563.5), dbSNP rs1174215360, ClinGen allele CA483437546.
Genomic context (GRCh38, chr13:32,337,571, plus strand): 5'-ATTAGATAATCAAAAGAAACTGAGCAAGCCTCAGTCAATTAATACTGTATCTGCACATTT[A>G]CAGAGTAGTGTAGTTGTTTCTGATTGTAAAAATAGTCATATAACCCCTCAGATGTTATTT-3'
Protein context (NP_000050.3, residues 1062-1082): PQSINTVSAH[Leu1072=]QSSVVVSDCK